The following is an entry in ClinVar:

ClinVar aggregate classification (germline): Uncertain significance. Review status: criteria provided, multiple submitters, no conflicts (2 of 4 stars). 3 submissions from 3 submitters: Uncertain significance (3). Last evaluated 2025-08-12.

Conditions:
Inborn genetic diseases. Identifiers: MedGen C0950123, MeSH D030342.
MCM3AP-related disorder. Also called: MCM3AP-related condition.

Allele frequency attached by ClinVar (database versions not stated): gnomAD exomes below 0.00001 and 0.00001; ExAC 0.00001; TOPMed 0.00006; ESP Exome Variant Server 0.00008; gnomAD 0.00008 and 0.00010.
gnomAD v4.1: 29 of 1,613,866 alleles (0.0018%); highest among the groups gnomAD compares: Middle Eastern, 0.05%; no homozygotes.

Submissions (3):

Ambry Genetics
Classification: Uncertain significance for Inborn genetic diseases. Last evaluated: 2025-08-12. Review status: criteria provided, single submitter. Criteria: Ambry Variant Classification Scheme 2023. Collection method: clinical testing. Allele origin: germline.

PreventionGenetics, part of Exact Sciences
Classification: Uncertain significance for MCM3AP-related condition. Last evaluated: 2025-04-23. Review status: criteria provided, single submitter. Criteria: ACMG Guidelines, 2015. Collection method: clinical testing. Allele origin: germline.
Comment: The MCM3AP c.3304G>T variant is predicted to result in the amino acid substitution p.Ala1102Ser. To our knowledge, this variant has not been reported in the literature. This variant is reported in 0.020% of alleles in individuals of African descent in gnomAD. At this time, the clinical significance of this variant is uncertain due to the absence of conclusive functional and genetic evidence.

Labcorp Genetics (formerly Invitae), Labcorp
Classification: Uncertain significance. Last evaluated: 2022-08-02. Review status: criteria provided, single submitter. Criteria: Invitae Variant Classification Sherloc (09022015). Collection method: clinical testing. Allele origin: germline.
Comment: This sequence change replaces alanine, which is neutral and non-polar, with serine, which is neutral and polar, at codon 1102 of the MCM3AP protein (p.Ala1102Ser). This variant is present in population databases (rs145422524, gnomAD 0.05%). This variant has not been reported in the literature in individuals affected with MCM3AP-related conditions. ClinVar contains an entry for this variant (Variation ID: 1369668). Algorithms developed to predict the effect of missense changes on protein structure and function (SIFT, PolyPhen-2, Align-GVGD) all suggest that this variant is likely to be tolerated. In summary, the available evidence is currently insufficient to determine the role of this variant in disease. Therefore, it has been classified as a Variant of Uncertain Significance.

NM_003906.5(MCM3AP):c.3304G>T (p.Ala1102Ser)

Gene: MCM3AP (minichromosome maintenance complex component 3 associated protein; minus strand). Cytogenetic location: 21q22.3.
Variant type: single nucleotide variant.
Coding change: c.3304G>T on transcript NM_003906.5 (MANE Select); coding-DNA position 3304, G replaced by T.
Protein change: p.Ala1102Ser; replaces alanine 1102 with serine.
Molecular consequence: missense variant.
Genome position (GRCh38, 1-based): chr21:46,264,148, C>A on the plus strand (G>T on the coding strand, the complement: MCM3AP is on the minus strand). VCF-style: chr21-46264148-C-A. GRCh37 (hg19) VCF-style: chr21-47684062-C-A.
Other names: c.3304G>T (NM_003906.3, NM_003906.4); short protein forms A1102S.
Identifiers: ClinVar variation 1369668 (VCV001369668.7), dbSNP rs145422524, ClinGen allele CA10076547.